The following is an entry in ClinVar:

NM_000067.3(CA2):c.352-8G>T

Gene: CA2 (carbonic anhydrase 2; plus strand). Cytogenetic location: 8q21.2.
Variant type: single nucleotide variant.
Coding change: c.352-8G>T on transcript NM_000067.3 (MANE Select); 8 bases into the intron before coding-DNA position 352, G replaced by T.
Molecular consequence: intron variant.
Genome position (GRCh38, 1-based): chr8:85,474,316, G>T. VCF-style: chr8-85474316-G-T. GRCh37 (hg19) VCF-style: chr8-86386545-G-T.
Other names: c.49-8G>T (NM_001293675.2); c.352-8G>T (NM_000067.2).
Identifiers: ClinVar variation 2802476 (VCV002802476.4), dbSNP rs369557332, ClinGen allele CA582891023.

ClinVar aggregate classification (germline): Likely benign. Review status: criteria provided, multiple submitters, no conflicts (2 of 4 stars). 2 submissions from 2 submitters: Likely benign (2). Last evaluated 2026-08-20.

Conditions:
CA2-related disorder. Also called: CA2-related condition.

Allele frequency attached by ClinVar (database versions not stated): TOPMed below 0.00001.
gnomAD v4.1: 1 of 1,609,846 alleles (0.000062%); highest among the groups gnomAD compares: African/African-American, 0.0013%; no homozygotes.

Submissions (2):

PreventionGenetics, part of Exact Sciences
Classification: Likely benign for CA2-related condition. Last evaluated: 2026-08-20. Review status: criteria provided, single submitter. Criteria: ACMG Guidelines, 2015. Collection method: clinical testing. Allele origin: germline.
Comment: This variant is classified as likely benign based on ACMG/AMP sequence variant interpretation guidelines (Richards et al. 2015 PMID: 25741868, with internal and published modifications).

Labcorp Genetics (formerly Invitae), Labcorp
Classification: Likely benign. Last evaluated: 2022-12-20. Review status: criteria provided, single submitter. Criteria: Invitae Variant Classification Sherloc (09022015). Collection method: clinical testing. Allele origin: germline.